The following is an entry in ClinVar:

ClinVar aggregate classification (germline): Uncertain significance (0 of 4 stars; one submission).

Conditions:
Hereditary antithrombin deficiency (AT3D). Also called: Thrombophilia due to antithrombin III deficiency; Antithrombin III deficiency; Reduced antithrombin III activity; Antithrombin deficiency. Identifiers: Orphanet 82, MedGen C0272375, MONDO:0013144, OMIM 613118, HP:0001976.

Submission:

ISTH-SSC Genomics in Thrombosis and Hemostasis, KU Leuven, Center for Molecular and Vascular Biology
Classification: Uncertain significance for Hereditary antithrombin deficiency. Review status: no assertion criteria provided. Collection method: research. Allele origin: unknown. Affected: yes.
Comment: Submitted to GoldVariant by Dr Karyn Mégy from NIHR Bioresource - Cambridge University, UK

NM_000488.4(SERPINC1):c.365C>A (p.Thr122Asn)

Gene: SERPINC1 (serpin family C member 1; minus strand). Cytogenetic location: 1q25.1.
Variant type: single nucleotide variant.
Coding change: c.365C>A on transcript NM_000488.4 (MANE Select); coding-DNA position 365, C replaced by A.
Protein change: p.Thr122Asn; replaces threonine 122 with asparagine.
Molecular consequence: missense variant.
Genome position (GRCh38, 1-based): chr1:173,914,596, G>T on the plus strand (C>A on the coding strand, the complement: SERPINC1 is on the minus strand). VCF-style: chr1-173914596-G-T. GRCh37 (hg19) VCF-style: chr1-173883734-G-T.
Other names: c.221C>A, p.Thr74Asn (NM_001365052.2); c.365C>A, p.Thr122Asn (NM_001386302.1, NM_001386304.1, NM_001386305.1 and 1 more transcripts); c.446C>A, p.Thr149Asn (NM_001386303.1); short protein forms T122N, T149N, T74N.
Identifiers: ClinVar variation 1684316 (VCV001684316.1), dbSNP rs1253864431, ClinGen allele CA343777345.